The following is an entry in ClinVar:

NM_001267550.2(TTN):c.94046G>A (p.Arg31349His)

Genes: TTN (titin; minus strand), TTN-AS1 (TTN antisense RNA 1; plus strand). Cytogenetic location: 2q31.2.
Variant type: single nucleotide variant.
Coding change: c.94046G>A on transcript NM_001267550.2 (MANE Select); coding-DNA position 94046, G replaced by A.
Protein change: p.Arg31349His; replaces arginine 31349 with histidine.
Molecular consequence: missense variant.
Genome position (GRCh38, 1-based): chr2:178,547,580, C>T on the plus strand (G>A on the coding strand, the complement: TTN is on the minus strand). VCF-style: chr2-178547580-C-T. GRCh37 (hg19) VCF-style: chr2-179412307-C-T.
Other names: p.R29708H:CGT>CAT; c.89123G>A, p.Arg29708His (NM_001256850.1); c.86342G>A, p.Arg28781His (NM_133378.4); c.66851G>A, p.Arg22284His (NM_003319.4); c.67226G>A, p.Arg22409His (NM_133432.3); c.67427G>A, p.Arg22476His (NM_133437.4); short protein forms R31349H, R28781H, R29708H, R22476H, R22409H, R22284H.
Identifiers: ClinVar variation 47539 (VCV000047539.69), dbSNP rs181104321, ClinGen allele CA141296.
Genomic context (GRCh38, chr2:178,547,580, plus strand): 5'-TTAATTTGAGTGCGCTTGACACTGGAATTGACAAGCTGCCAAGCTGTTGTACCCGATTCA[C>T]GCTTTTCAACTATGTAATTAGTAATTTCAGTGCCTCCTCCATCTTTAGGTTCTCCCCATG-3'
Protein context (NP_001254479.2, residues 31339-31359): TEITNYIVEK[Arg31349His]ESGTTAWQLV

ClinVar aggregate classification (germline): Benign/Likely benign. Review status: criteria provided, multiple submitters, no conflicts (2 of 4 stars). 27 submissions from 20 submitters: Benign (12); Likely benign (9). 6 of the submissions do not count toward it. Last evaluated 2026-06-01.

Conditions:
TTN-related disorder. Also called: TTN-related condition; TTN-related disease; TTN-related disorders.
Cardiovascular phenotype. Identifiers: MedGen CN230736.
Dilated cardiomyopathy 1G (CMD1G). Identifiers: Orphanet 154, MedGen C1858763, MONDO:0011400, OMIM 604145.
Autosomal recessive limb-girdle muscular dystrophy type 2J (LGMDR10). Also called: Limb-girdle muscular dystrophy, type 2J; MUSCULAR DYSTROPHY, LIMB-GIRDLE, AUTOSOMAL RECESSIVE 10. Identifiers: Orphanet 140922, MedGen C1837342, MONDO:0012127, OMIM 608807.
Cardiomyopathy (CMYO). Also called: Cardiomyopathies. Identifiers: Orphanet 167848, MedGen C0878544, MONDO:0004994, HP:0001638. Inheritance: Various modes of inheritance.
Early-onset myopathy with fatal cardiomyopathy (CMYO5). Also called: Salih Myopathy; CONGENITAL MYOPATHY 5 WITH CARDIOMYOPATHY. Identifiers: Orphanet 289377, MedGen C2673677, MONDO:0012714, OMIM 611705. Disease mechanism: loss of function.
Myopathy, myofibrillar, 9, with early respiratory failure (MFM9). Also called: Hereditary myopathy with early respiratory failure; Myopathy, distal, with early respiratory failure, autosomal dominant; EDSTROM MYOPATHY; MYOPATHY, PROXIMAL, WITH EARLY RESPIRATORY MUSCLE INVOLVEMENT. Identifiers: Orphanet 178464, Orphanet 34521, MedGen C1863599, MONDO:0011362, OMIM 603689.
Tibial muscular dystrophy (TMD). Also called: Udd Distal Myopathy – Tibial Muscular Dystrophy; Tibial muscular dystrophy, tardive; UDD MYOPATHY. Identifiers: Orphanet 609, MedGen C1838244, MONDO:0010870, OMIM 600334.

Allele frequency attached by ClinVar (database versions not stated): ESP Exome Variant Server 0.00091; 1000 Genomes Project 0.00120; 1000 Genomes Project 30x 0.00125; TOPMed 0.00161; gnomAD exomes 0.00163; ExAC 0.00179; gnomAD 0.00267 and 0.00282.
gnomAD v4.1: 2,761 of 1,613,824 alleles (0.17%); highest among the groups gnomAD compares: African/African-American, 0.28%; 3 homozygotes.

Submissions (27):

CeGaT Center for Human Genetics Tuebingen
Classification: Likely benign. Last evaluated: 2026-06-01. Review status: criteria provided, single submitter. Criteria: CeGaT Center For Human Genetics Tuebingen Variant Classification Criteria Version 2. Collection method: clinical testing. Allele origin: germline. Affected: yes. Observed: 10 variant alleles.
Comment: TTN: BS2

Labcorp Genetics (formerly Invitae), Labcorp
Classification: Benign for Dilated cardiomyopathy 1G; Autosomal recessive limb-girdle muscular dystrophy type 2J. Last evaluated: 2026-02-04. Review status: criteria provided, single submitter. Criteria: Invitae Variant Classification Sherloc (09022015). Collection method: clinical testing. Allele origin: germline.

Molecular Diagnostic Laboratory for Inherited Cardiovascular Disease, Montreal Heart Institute
Classification: Likely benign. Last evaluated: 2025-04-09. Review status: criteria provided, single submitter. Criteria: ACMG Guidelines, 2015. Collection method: clinical testing. Allele origin: germline. Affected: no.

Blueprint Genetics
Classification: Likely benign. Last evaluated: 2024-11-25. Review status: criteria provided, single submitter. Criteria: ACMG Guidelines, 2015. Collection method: clinical testing. Allele origin: germline.

ARUP Laboratories, Molecular Genetics and Genomics, ARUP Laboratories
Classification: Likely benign. Last evaluated: 2022-09-20. Review status: criteria provided, single submitter. Criteria: ARUP Molecular Germline Variant Investigation Process 2021. Collection method: clinical testing. Allele origin: germline.

Women's Health and Genetics/Laboratory Corporation of America, LabCorp
Classification: Likely benign. Last evaluated: 2022-03-13. Review status: criteria provided, single submitter. Criteria: LabCorp Variant Classification Summary - May 2015. Collection method: clinical testing. Allele origin: germline.

Genome-Nilou Lab
Classification: Benign for Autosomal recessive limb-girdle muscular dystrophy type 2J. Last evaluated: 2021-09-10. Review status: criteria provided, single submitter. Criteria: ACMG Guidelines, 2015. Collection method: clinical testing. Allele origin: germline. Affected: no.

Genome-Nilou Lab
Classification: Benign for Myopathy, myofibrillar, 9, with early respiratory failure. Last evaluated: 2021-09-10. Review status: criteria provided, single submitter. Criteria: ACMG Guidelines, 2015. Collection method: clinical testing. Allele origin: germline. Affected: no.

Genome-Nilou Lab
Classification: Benign for Early-onset myopathy with fatal cardiomyopathy. Last evaluated: 2021-09-10. Review status: criteria provided, single submitter. Criteria: ACMG Guidelines, 2015. Collection method: clinical testing. Allele origin: germline. Affected: no.

Genome-Nilou Lab
Classification: Benign for Tibial muscular dystrophy. Last evaluated: 2021-09-10. Review status: criteria provided, single submitter. Criteria: ACMG Guidelines, 2015. Collection method: clinical testing. Allele origin: germline. Affected: no.

GeneDx
Classification: Likely benign. Last evaluated: 2020-10-09. Review status: criteria provided, single submitter. Criteria: GeneDx Variant Classification Process June 2021. Collection method: clinical testing. Allele origin: germline. Affected: yes.
Comment: This variant is associated with the following publications: (PMID: 23861362, 23396983)

Athena Diagnostics
Classification: Benign. Last evaluated: 2019-06-17. Review status: criteria provided, single submitter. Criteria: Athena Diagnostics Criteria. Collection method: clinical testing. Allele origin: germline.

Ambry Genetics
Classification: Benign for Cardiovascular phenotype. Last evaluated: 2018-03-15. Review status: criteria provided, single submitter. Criteria: Ambry Variant Classification Scheme 2023. Collection method: clinical testing. Allele origin: germline.

CHEO Genetics Diagnostic Laboratory, Children's Hospital of Eastern Ontario
Classification: Benign for Cardiomyopathy. Last evaluated: 2018-01-31. Review status: criteria provided, single submitter. Criteria: ACMG Guidelines, 2015. Collection method: clinical testing. Allele origin: germline.

Illumina Laboratory Services, Illumina
Classification: Benign for Tibial muscular dystrophy. Last evaluated: 2017-10-24. Review status: criteria provided, single submitter. Criteria: ICSL Variant Classification Criteria 13 December 2019. Collection method: clinical testing. Allele origin: germline.
Comment: This variant was observed as part of a predisposition screen in an ostensibly healthy population. A literature search was performed for the gene, cDNA change, and amino acid change (where applicable). No publications were found based on this search. Allele frequency data from public databases was too high to be consistent with this variant causing disease. Therefore, this variant is classified as benign.

Illumina Laboratory Services, Illumina
Classification: Likely benign for Early-onset myopathy with fatal cardiomyopathy. Last evaluated: 2017-10-24. Review status: criteria provided, single submitter. Criteria: ICSL Variant Classification Criteria 13 December 2019. Collection method: clinical testing. Allele origin: germline.
Comment: This variant was observed as part of a predisposition screen in an ostensibly healthy population. A literature search was performed for the gene, cDNA change, and amino acid change (where applicable). No publications were found based on this search. Allele frequency data from public databases allowed determination this variant is unlikely to cause disease. Therefore, this variant is classified as likely benign.

Illumina Laboratory Services, Illumina
Classification: Benign for Myopathy, myofibrillar, 9, with early respiratory failure. Last evaluated: 2017-10-24. Review status: criteria provided, single submitter. Criteria: ICSL Variant Classification Criteria 13 December 2019. Collection method: clinical testing. Allele origin: germline.
Comment: the same text as in the submission from Illumina Laboratory Services, Illumina above.

Illumina Laboratory Services, Illumina
Classification: Benign for Dilated cardiomyopathy 1G. Last evaluated: 2017-10-24. Review status: criteria provided, single submitter. Criteria: ICSL Variant Classification Criteria 13 December 2019. Collection method: clinical testing. Allele origin: germline.
Comment: the same text as in the submission from Illumina Laboratory Services, Illumina above.

Illumina Laboratory Services, Illumina
Classification: Likely benign for Autosomal recessive limb-girdle muscular dystrophy type 2J. Last evaluated: 2017-10-24. Review status: criteria provided, single submitter. Criteria: ICSL Variant Classification Criteria 13 December 2019. Collection method: clinical testing. Allele origin: germline.
Comment: the same text as in the submission from Illumina Laboratory Services, Illumina above.

Laboratory for Molecular Medicine, Mass General Brigham Personalized Medicine
Classification: Benign. Last evaluated: 2015-02-19. Review status: criteria provided, single submitter. Criteria: LMM Criteria. Collection method: clinical testing. Allele origin: germline. Observed: 10 variant alleles.
Comment: p.Arg28781His in exon 288 of TTN: This variant is not expected to have clinical significance because it has been identified in 1.5% (98/6608) of Finnish chromos omes by the Exome Aggregation Consortium (ExAC; dbSNP rs181104321).

Biesecker Lab/Clinical Genomics Section, National Institutes of Health
Classification: Likely benign. Last evaluated: 2013-06-24. Review status: criteria provided, single submitter. Criteria: Ng et al. (Circ Cardiovasc Genet. 2013). Collection method: research. Allele origin: unknown. Observed: 2 variant alleles. Study: ClinSeq.
Comment: The study set was not selected for affection status in relation to any cancer. Pathogenicity categories were based on literature curation. See Pubmed ID:23861362 for details.

Medical sequencing

PreventionGenetics, part of Exact Sciences
Classification: Benign for TTN-related condition. Last evaluated: 2022-03-21. Review status: no assertion criteria provided. Collection method: clinical testing. Allele origin: germline. Not counted in ClinVar's aggregate classification.
Comment: This variant is classified as benign based on ACMG/AMP sequence variant interpretation guidelines (Richards et al. 2015 PMID: 25741868, with internal and published modifications).

Clinical Genetics DNA and cytogenetics Diagnostics Lab, Erasmus MC, Erasmus Medical Center
Classification: Benign. Review status: no assertion criteria provided. Collection method: clinical testing. Allele origin: germline. Affected: yes. Study: VKGL Data-share Consensus. Not counted in ClinVar's aggregate classification.

Clinical Genetics, Academic Medical Center
Classification: Benign. Review status: no assertion criteria provided. Collection method: clinical testing. Allele origin: germline. Affected: yes. Study: VKGL Data-share Consensus. Not counted in ClinVar's aggregate classification.

Diagnostic Laboratory, Department of Genetics, University Medical Center Groningen
Classification: Likely benign. Review status: no assertion criteria provided. Collection method: clinical testing. Allele origin: germline. Affected: yes. Study: VKGL Data-share Consensus. Not counted in ClinVar's aggregate classification.

Genome Diagnostics Laboratory, University Medical Center Utrecht
Classification: Likely benign. Review status: no assertion criteria provided. Collection method: clinical testing. Allele origin: germline. Affected: yes. Study: VKGL Data-share Consensus. Not counted in ClinVar's aggregate classification.

Joint Genome Diagnostic Labs from Nijmegen and Maastricht, Radboudumc and MUMC+
Classification: Likely benign. Review status: no assertion criteria provided. Collection method: clinical testing. Allele origin: germline. Affected: yes. Study: VKGL Data-share Consensus. Not counted in ClinVar's aggregate classification.